The following is an entry in ClinVar:

NM_024675.4(PALB2):c.689A>G (p.Glu230Gly)

Gene: PALB2 (partner and localizer of BRCA2; minus strand). Cytogenetic location: 16p12.2.
Variant type: single nucleotide variant.
Coding change: c.689A>G on transcript NM_024675.4 (MANE Select); coding-DNA position 689, A replaced by G.
Protein change: p.Glu230Gly; replaces glutamic acid 230 with glycine.
Molecular consequence: missense variant.
Genome position (GRCh38, 1-based): chr16:23,635,857, T>C on the plus strand (A>G on the coding strand, the complement: PALB2 is on the minus strand). VCF-style: chr16-23635857-T-C. GRCh37 (hg19) VCF-style: chr16-23647178-T-C.
Other names: c.689A>G (NM_024675.3); short protein forms E230G.
Identifiers: ClinVar variation 1022251 (VCV001022251.10), dbSNP rs1567222506, ClinGen allele CA395136405.

ClinVar aggregate classification (germline): Conflicting classifications of pathogenicity. Review status: criteria provided, conflicting classifications (1 of 4 stars). 3 submissions from 3 submitters: Uncertain significance (2); Likely benign (1). Last evaluated 2026-07-01.

Conditions:
Hereditary cancer-predisposing syndrome. Also called: Tumor predisposition; Hereditary Cancer Syndrome; Hereditary neoplastic syndrome; Neoplastic Syndromes, Hereditary. Identifiers: Orphanet 140162, MedGen C0027672, MeSH D009386, MONDO:0015356.
Familial cancer of breast. Also called: Hereditary breast cancer; hereditary breast carcinoma; BREAST CANCER, FAMILIAL. Identifiers: Orphanet 227535, MedGen C0346153, MONDO:0016419, OMIM 114480. Disease mechanism: loss of function.

Submissions (3):

Ambry Genetics
Classification: Likely benign for Hereditary cancer-predisposing syndrome. Last evaluated: 2026-07-01. Review status: criteria provided, single submitter. Criteria: Ambry Variant Classification Scheme 2023. Collection method: clinical testing. Allele origin: germline.

Labcorp Genetics (formerly Invitae), Labcorp
Classification: Uncertain significance for Familial cancer of breast. Last evaluated: 2022-10-10. Review status: criteria provided, single submitter. Criteria: Invitae Variant Classification Sherloc (09022015). Collection method: clinical testing. Allele origin: germline.
Comment: This sequence change replaces glutamic acid, which is acidic and polar, with glycine, which is neutral and non-polar, at codon 230 of the PALB2 protein (p.Glu230Gly). This variant is not present in population databases (gnomAD no frequency). This variant has not been reported in the literature in individuals affected with PALB2-related conditions. ClinVar contains an entry for this variant (Variation ID: 1022251). Algorithms developed to predict the effect of missense changes on protein structure and function are either unavailable or do not agree on the potential impact of this missense change (SIFT: "Deleterious"; PolyPhen-2: "Possibly Damaging"; Align-GVGD: "Class C0"). In summary, the available evidence is currently insufficient to determine the role of this variant in disease. Therefore, it has been classified as a Variant of Uncertain Significance.

Color Diagnostics, LLC DBA Color Health
Classification: Uncertain significance for Hereditary cancer-predisposing syndrome. Last evaluated: 2022-08-15. Review status: criteria provided, single submitter. Criteria: ACMG Guidelines, 2015. Collection method: clinical testing. Allele origin: germline.
Comment: This missense variant replaces glutamic acid with glycine at codon 230 of the PALB2 protein. Computational prediction suggests that this variant may not impact protein structure and function (internally defined REVEL score threshold <= 0.5, PMID: 27666373). To our knowledge, functional studies have not been reported for this variant. This variant has not been reported in individuals affected with hereditary cancer in the literature. This variant has not been identified in the general population by the Genome Aggregation Database (gnomAD). The available evidence is insufficient to determine the role of this variant in disease conclusively. Therefore, this variant is classified as a Variant of Uncertain Significance.